The following is an entry in ClinVar:

NM_001267550.2(TTN):c.63800C>T (p.Pro21267Leu)

Genes: TTN (titin; minus strand), TTN-AS1 (TTN antisense RNA 1; plus strand). Cytogenetic location: 2q31.2.
Variant type: single nucleotide variant.
Coding change: c.63800C>T on transcript NM_001267550.2 (MANE Select); coding-DNA position 63800, C replaced by T.
Protein change: p.Pro21267Leu; replaces proline 21267 with leucine.
Molecular consequence: missense variant.
Genome position (GRCh38, 1-based): chr2:178,587,411, G>A on the plus strand (C>T on the coding strand, the complement: TTN is on the minus strand). VCF-style: chr2-178587411-G-A. GRCh37 (hg19) VCF-style: chr2-179452138-G-A.
Other names: c.58877C>T, p.Pro19626Leu (NM_001256850.1); c.36605C>T, p.Pro12202Leu (NM_003319.4); c.36980C>T, p.Pro12327Leu (NM_133432.3); c.37181C>T, p.Pro12394Leu (NM_133437.4); c.63800C>T (NM_001267550.1); c.56096C>T, p.Pro18699Leu (NM_133378.4); short protein forms P18699L, P21267L, P12327L, P12394L, P19626L, P12202L.
Identifiers: ClinVar variation 165905 (VCV000165905.11), dbSNP rs200365508, ClinGen allele CA178620.

ClinVar aggregate classification (germline): Uncertain significance. Review status: criteria provided, multiple submitters, no conflicts (2 of 4 stars). 4 submissions from 4 submitters: Uncertain significance (4). Last evaluated 2026-07-27.

Conditions:
TTN-related disorder. Also called: TTN-related condition; TTN-related disease; TTN-related disorders.

Allele frequency attached by ClinVar (database versions not stated): gnomAD exomes below 0.00001 and 0.00001; ExAC 0.00002; TOPMed 0.00004; gnomAD 0.00006; ESP Exome Variant Server 0.00025.

Submissions (4):

PreventionGenetics, part of Exact Sciences
Classification: Uncertain significance for TTN-related condition. Last evaluated: 2026-07-27. Review status: criteria provided, single submitter. Criteria: ACMG Guidelines, 2015. Collection method: clinical testing. Allele origin: germline.
Comment: The TTN c.63800C>T variant is predicted to result in the amino acid substitution p.Pro21267Leu. To our knowledge, this variant has not been reported in the literature. This variant is reported in 0.013% of alleles in individuals of African descent in gnomAD. At this time, the clinical significance of this variant is uncertain due to the absence of conclusive functional and genetic evidence.

GeneDx
Classification: Uncertain significance. Last evaluated: 2024-10-17. Review status: criteria provided, single submitter. Criteria: GeneDx Variant Classification Process June 2021. Collection method: clinical testing. Allele origin: germline. Affected: yes.
Comment: Not observed at significant frequency in large population cohorts (gnomAD); Missense variant in a gene in which most reported pathogenic variants are truncating/loss of function; Has not been previously published as pathogenic or benign to our knowledge

Eurofins Ntd Llc (ga)
Classification: Uncertain significance. Last evaluated: 2018-07-03. Review status: criteria provided, single submitter. Criteria: EGL ClinVar v180209 classification definitions. Collection method: clinical testing. Allele origin: germline. Observed: 1 variant allele, 1 heterozygote.

Laboratory for Molecular Medicine, Mass General Brigham Personalized Medicine
Classification: Uncertain significance. Last evaluated: 2013-04-12. Review status: criteria provided, single submitter. Criteria: LMM Criteria. Collection method: clinical testing. Allele origin: germline. Observed: 1 variant allele.
Comment: The Pro18699Leu variant in TTN has not been reported in individuals with cardiom yopathy, but has been identified in 3/3726 African American chromosomes by the N HLBI Exome Sequencing Project (dbSNP rs200365 508). Computational analyses (biochemical amino acid properties, conservation, A lignGVGD, PolyPhen2, and SIFT) suggest that this variant may impact the protein, though this information is not predictive enough to determine pathogenicity. In summary, additional information is needed to fully assess the clinical signific ance of this variant.